The following is an entry in ClinVar:

ClinVar aggregate classification (germline): Benign/Likely benign. Review status: criteria provided, multiple submitters, no conflicts (2 of 4 stars). 2 submissions from 2 submitters: Benign (1); Likely benign (1). Last evaluated 2026-04-24.

Conditions:
Colorectal cancer, susceptibility to, 1. Also called: COLORECTAL ADENOMA AND CANCER, SUSCEPTIBILITY TO; COLORECTAL CANCER, SUSCEPTIBILITY TO, ON CHROMOSOME 9. Identifiers: MedGen C1837315, MONDO:0012132, OMIM 608812.

Submissions (2):

Myriad Genetics, Inc.
Classification: Benign for Colorectal cancer, susceptibility to, 1. Last evaluated: 2026-04-24. Review status: criteria provided, single submitter. Criteria: Myriad Autosomal Dominant, Autosomal Recessive and X-Linked Classification Criteria (2023). Collection method: clinical testing. Allele origin: unknown.
Comment: This variant is considered benign. This variant is a silent/synonymous amino acid change and it is not expected to impact splicing.

Ambry Genetics
Classification: Likely benign. Last evaluated: 2017-06-19. Review status: criteria provided, single submitter. Criteria: Ambry Variant Classification Scheme 2023. Collection method: clinical testing. Allele origin: germline.

NM_024642.5(GALNT12):c.990A>G (p.Thr330=)

Gene: GALNT12 (polypeptide N-acetylgalactosaminyltransferase 12; plus strand). Cytogenetic location: 9q22.33.
Variant type: single nucleotide variant.
Coding change: c.990A>G on transcript NM_024642.5 (MANE Select); coding-DNA position 990, A replaced by G.
Protein change: p.Thr330=; no amino-acid change (threonine 330 retained).
Molecular consequence: synonymous variant.
Genome position (GRCh38, 1-based): chr9:98,835,321, A>G. VCF-style: chr9-98835321-A-G. GRCh37 (hg19) VCF-style: chr9-101597603-A-G.
Identifiers: ClinVar variation 1768566 (VCV001768566.3), dbSNP rs2490527590, ClinGen allele CA466424952.
Genomic context (GRCh38, chr9:98,835,321, plus strand): 5'-GGCTGGTGGGCTGTTTGCTGTGAGTAAGAAATATTTTGAATATCTGGGGTCTTATGATAC[A>G]GGAATGGAAGTTTGGGGAGGAGAAAACCTCGAATTTTCCTTTAGGGTAAGTATTTCAGTC-3'
Protein context (NP_078918.3, residues 320-340): KYFEYLGSYD[Thr330=]GMEVWGGENL